The following is an entry in ClinVar:

ClinVar aggregate classification (germline): Likely benign (1 of 4 stars; one submission).

gnomAD v4.1: 646 of 1,613,864 alleles (0.04%); highest among the groups gnomAD compares: South Asian, 0.59%; 7 homozygotes.

Submission:

CeGaT Center for Human Genetics Tuebingen
Classification: Likely benign. Last evaluated: 2026-02-01. Review status: criteria provided, single submitter. Criteria: CeGaT Center For Human Genetics Tuebingen Variant Classification Criteria Version 2. Collection method: clinical testing. Allele origin: germline. Affected: yes. Observed: 3 variant alleles.
Comment: TAF4: BP4, BP7

NM_003185.4(TAF4):c.1650C>T (p.Leu550=)

Gene: TAF4 (TATA-box binding protein associated factor 4; minus strand). Cytogenetic location: 20q13.33.
Variant type: single nucleotide variant.
Coding change: c.1650C>T on transcript NM_003185.4 (MANE Select); coding-DNA position 1650, C replaced by T.
Protein change: p.Leu550=; no amino-acid change (leucine 550 retained).
Molecular consequence: synonymous variant.
Genome position (GRCh38, 1-based): chr20:62,010,157, G>A on the plus strand (C>T on the coding strand, the complement: TAF4 is on the minus strand). VCF-style: chr20-62010157-G-A. GRCh37 (hg19) VCF-style: chr20-60585213-G-A.
Identifiers: ClinVar variation 3770871 (VCV003770871.13).
Genomic context (GRCh38, chr20:62,010,157, plus strand): 5'-CCCCGTCTGAACAGCCGTCGCCGTCCCAAGTGAAGCCGTCTGGGCAGCGCCACCCAGAAC[G>A]AGCTGAGGCTACAAGAATCCAAAAACACAAGGTAAGGGCATCTCACGCCACCAGCTGACG-3'
Protein context (NP_003176.2, residues 540-560): LQRSPGVQPQ[Leu550=]VLGGAAQTAS